The following is an entry in ClinVar:

NM_022168.4(IFIH1):c.2962G>A (p.Val988Ile)

Gene: IFIH1 (interferon induced with helicase C domain 1; minus strand). Cytogenetic location: 2q24.2.
Variant type: single nucleotide variant.
Coding change: c.2962G>A on transcript NM_022168.4 (MANE Select); coding-DNA position 2962, G replaced by A.
Protein change: p.Val988Ile; replaces valine 988 with isoleucine.
Molecular consequence: missense variant.
Genome position (GRCh38, 1-based): chr2:162,267,316, C>T on the plus strand (G>A on the coding strand, the complement: IFIH1 is on the minus strand). VCF-style: chr2-162267316-C-T. GRCh37 (hg19) VCF-style: chr2-163123826-C-T.
Other names: c.2962G>A, p.Val988Ile (LRG_1235t1); short protein forms V988I.
Identifiers: ClinVar variation 574103 (VCV000574103.10), dbSNP rs74162090, ClinGen allele CA348989041.
Genomic context (GRCh38, chr2:162,267,316, plus strand): 5'-TAGGTAATTCTACCCACTTTTTGTATTGTTTCTTTGTTGAATTATTTTTGAAAACCACTA[C>T]AAAATTCCTTATTTTGAGACAAGGCAAATCTAAGCCTTTGTGCACCATCATTGTTCCCCA-3'
Protein context (NP_071451.2, residues 978-998): DLPCLKIRNF[Val988Ile]VVFKNNSTKK

ClinVar aggregate classification (germline): Uncertain significance (1 of 4 stars; one submission).

Conditions:
Aicardi-Goutieres syndrome 7 (AGS7). Identifiers: Orphanet 51, MedGen C3888244, MONDO:0014367, OMIM 615846.
Singleton-Merten syndrome 1 (SGMRT1). Also called: Widened medullary cavities of bone, aortic calcification, abnormal dentition, and muscular weakness; Syndrome of widened medullary cavities of the metacarpals and phalanges, aortic calcification and abnormal dentition. Identifiers: Orphanet 85191, MedGen C4225427, MONDO:0024535, OMIM 182250.

gnomAD v4.1: 10 of 1,612,730 alleles (0.00062%); highest among the groups gnomAD compares: Non-Finnish European, 0.00085%; no homozygotes.

Submission:

Labcorp Genetics (formerly Invitae), Labcorp
Classification: Uncertain significance for Aicardi-Goutieres syndrome 7; Singleton-Merten syndrome 1. Last evaluated: 2019-06-27. Review status: criteria provided, single submitter. Criteria: Invitae Variant Classification Sherloc (09022015). Collection method: clinical testing. Allele origin: germline.
Comment: This sequence change replaces valine with isoleucine at codon 988 of the IFIH1 protein (p.Val988Ile). The valine residue is highly conserved and there is a small physicochemical difference between valine and isoleucine. This variant is not present in population databases (ExAC no frequency). This variant has not been reported in the literature in individuals with IFIH1-related disease. Algorithms developed to predict the effect of missense changes on protein structure and function are either unavailable or do not agree on the potential impact of this missense change (SIFT: "Tolerated"; PolyPhen-2: "Probably Damaging"; Align-GVGD: "Class C0"). In summary, the available evidence is currently insufficient to determine the role of this variant in disease. Therefore, it has been classified as a Variant of Uncertain Significance.